The following is an entry in ClinVar:

NM_001365951.3(KIF1B):c.4237G>A (p.Ala1413Thr)

Gene: KIF1B (kinesin family member 1B; plus strand). Cytogenetic location: 1p36.22.
Variant type: single nucleotide variant.
Coding change: c.4237G>A on transcript NM_001365951.3 (MANE Select); coding-DNA position 4237, G replaced by A.
Protein change: p.Ala1413Thr; replaces alanine 1413 with threonine.
Molecular consequence: missense variant.
Genome position (GRCh38, 1-based): chr1:10,361,758, G>A. VCF-style: chr1-10361758-G-A. GRCh37 (hg19) VCF-style: chr1-10421816-G-A.
Other names: c.4237G>A, p.Ala1413Thr (NM_001365952.1); c.4099G>A, p.Ala1367Thr (NM_015074.3); short protein forms A1367T, A1413T.
Identifiers: ClinVar variation 543187 (VCV000543187.12), dbSNP rs1553170117, ClinGen allele CA338317512.

ClinVar aggregate classification (germline): Uncertain significance. Review status: criteria provided, multiple submitters, no conflicts (2 of 4 stars). 2 submissions from 2 submitters: Uncertain significance (2). Last evaluated 2025-11-06.

Conditions:
Charcot-Marie-Tooth disease type 2. Also called: Charcot-Marie-Tooth type 2. Identifiers: Orphanet 64746, MedGen C0270914, MONDO:0018993.

Allele frequency attached by ClinVar (database versions not stated): gnomAD exomes below 0.00001.
gnomAD v4.1: 1 of 1,614,114 alleles (0.000062%); highest among the groups gnomAD compares: Middle Eastern, 0.016%; no homozygotes.

Submissions (2):

Ambry Genetics
Classification: Uncertain significance. Last evaluated: 2025-11-06. Review status: criteria provided, single submitter. Criteria: Ambry Variant Classification Scheme 2023. Collection method: clinical testing. Allele origin: germline.
Comment: The p.A1367T variant (also known as c.4099G>A), located in coding exon 37 of the KIF1B gene, results from a G to A substitution at nucleotide position 4099. The alanine at codon 1367 is replaced by threonine, an amino acid with similar properties. This amino acid position is highly conserved in available vertebrate species. In addition, the in silico prediction for this alteration is inconclusive. The evidence for this gene-disease relationship is limited; therefore, the clinical significance of this alteration is unclear.

Labcorp Genetics (formerly Invitae), Labcorp
Classification: Uncertain significance for Charcot-Marie-Tooth disease type 2. Last evaluated: 2022-08-27. Review status: criteria provided, single submitter. Criteria: Invitae Variant Classification Sherloc (09022015). Collection method: clinical testing. Allele origin: germline.
Comment: This variant has not been reported in the literature in individuals affected with KIF1B-related conditions. ClinVar contains an entry for this variant (Variation ID: 543187). Algorithms developed to predict the effect of missense changes on protein structure and function are either unavailable or do not agree on the potential impact of this missense change (SIFT: "Tolerated"; PolyPhen-2: "Probably Damaging"; Align-GVGD: "Class C0"). In summary, the available evidence is currently insufficient to determine the role of this variant in disease. Therefore, it has been classified as a Variant of Uncertain Significance. This variant is not present in population databases (gnomAD no frequency). This sequence change replaces alanine, which is neutral and non-polar, with threonine, which is neutral and polar, at codon 1367 of the KIF1B protein (p.Ala1367Thr).